The following is an entry in ClinVar:

ClinVar aggregate classification (germline): Uncertain significance (1 of 4 stars; one submission).

Submission:

Labcorp Genetics (formerly Invitae), Labcorp
Classification: Uncertain significance. Last evaluated: 2022-07-19. Review status: criteria provided, single submitter. Criteria: Invitae Variant Classification Sherloc (09022015). Collection method: clinical testing. Allele origin: germline.
Comment: In summary, the available evidence is currently insufficient to determine the role of this variant in disease. Therefore, it has been classified as a Variant of Uncertain Significance. Advanced modeling of protein sequence and biophysical properties (such as structural, functional, and spatial information, amino acid conservation, physicochemical variation, residue mobility, and thermodynamic stability) performed at Invitae indicates that this missense variant is not expected to disrupt CNGB1 protein function. ClinVar contains an entry for this variant (Variation ID: 1387254). This variant has not been reported in the literature in individuals affected with CNGB1-related conditions. The frequency data for this variant in the population databases is considered unreliable, as metrics indicate poor data quality at this position in the gnomAD database. This sequence change replaces alanine, which is neutral and non-polar, with threonine, which is neutral and polar, at codon 257 of the CNGB1 protein (p.Ala257Thr).

NM_001297.5(CNGB1):c.769G>A (p.Ala257Thr)

Gene: CNGB1 (cyclic nucleotide gated channel subunit beta 1; minus strand). Cytogenetic location: 16q21.
Variant type: single nucleotide variant.
Coding change: c.769G>A on transcript NM_001297.5 (MANE Select); coding-DNA position 769, G replaced by A.
Protein change: p.Ala257Thr; replaces alanine 257 with threonine.
Molecular consequence: missense variant.
Genome position (GRCh38, 1-based): chr16:57,958,478, C>T on the plus strand (G>A on the coding strand, the complement: CNGB1 is on the minus strand). VCF-style: chr16-57958478-C-T. GRCh37 (hg19) VCF-style: chr16-57992382-C-T.
Other names: c.769G>A, p.Ala257Thr (NM_001135639.2); c.751G>A, p.Ala251Thr (NM_001286130.2); short protein forms A251T, A257T.
Identifiers: ClinVar variation 1387254 (VCV001387254.8), dbSNP rs771075912, ClinGen allele CA8083686.